The following is an entry in ClinVar:

ClinVar aggregate classification (germline): Pathogenic (1 of 4 stars; one submission).

Conditions:
Pheochromocytoma. Also called: MAX-Related Hereditary Paraganglioma-Pheochromocytoma Syndrome. Identifiers: Orphanet 29072, MedGen C0031511, MONDO:0008233, OMIM 171300, HP:0002666.
Pheochromocytoma/paraganglioma syndrome 4. Also called: PARAGANGLIOMA, FAMILIAL MALIGNANT; PARAGANGLIOMAS, HEREDITARY EXTRAADRENAL; PHEOCHROMOCYTOMA, FAMILIAL EXTRAADRENAL; SDHB-Related Hereditary Paraganglioma-Pheochromocytoma Syndrome (Paragangliomas 4); CAROTID BODY TUMORS AND MULTIPLE EXTRAADRENAL PHEOCHROMOCYTOMAS; SDHB-Related Hereditary Paraganglioma-Pheochromocytoma Syndrome. Identifiers: Orphanet 29072, MedGen C1861848, MONDO:0007273, OMIM 115310.
Gastrointestinal stromal tumor. Also called: Gastrointestinal stromal tumor, somatic; Gastrointestinal stroma tumor. Identifiers: Orphanet 44890, MedGen C0238198, MeSH D046152, MONDO:0011719, OMIM 606764, HP:0100723.

Submission:

Labcorp Genetics (formerly Invitae), Labcorp
Classification: Pathogenic for Gastrointestinal stromal tumor; Pheochromocytoma/paraganglioma syndrome 4; Pheochromocytoma. Last evaluated: 2018-01-01. Review status: criteria provided, single submitter. Criteria: Invitae Variant Classification Sherloc (09022015). Collection method: clinical testing. Allele origin: germline.
Comment: For these reasons, this variant has been classified as Pathogenic. Loss-of-function variants in SDHB are known to be pathogenic (PMID: 19454582, 19802898). This variant has not been reported in the literature in individuals with SDHB-related disease. This variant is not present in population databases (ExAC no frequency). This sequence change creates a premature translational stop signal (p.Tyr134Valfs*21) in the SDHB gene. It is expected to result in an absent or disrupted protein product.

Literature cited by the submitters: PubMed 19454582; PubMed 19802898.

NM_003000.3(SDHB):c.399dup (p.Tyr134fs)

Gene: SDHB (succinate dehydrogenase complex iron sulfur subunit B; minus strand). Cytogenetic location: 1p36.13.
Variant type: Duplication.
Coding change: c.399dup on transcript NM_003000.3 (MANE Select); coding-DNA position 399, one base duplicated (G; older notation c.399dupG).
Protein change: p.Tyr134fs; shifts the reading frame from tyrosine 134.
Molecular consequence: frameshift variant.
Genome position (GRCh38, 1-based): chr1:17,028,624, C duplicated on the plus strand (G on the coding strand, the reverse complement: SDHB is on the minus strand). VCF-style (leftmost placement, unchanged base first): chr1-17028623-A-AC. GRCh37 (hg19) VCF-style: chr1-17355118-A-AC.
Other names: c.399dupG (NM_003000.2); short protein forms Y134fs.
Identifiers: ClinVar variation 579501 (VCV000579501.4), dbSNP rs1557741425, ClinGen allele CA891842432.